The following is an entry in ClinVar:

NM_003074.4(SMARCC1):c.2497A>G (p.Lys833Glu)

Gene: SMARCC1 (SWI/SNF related BAF chromatin remodeling complex subunit C1; minus strand). Cytogenetic location: 3p21.31.
Variant type: single nucleotide variant.
Coding change: c.2497A>G on transcript NM_003074.4 (MANE Select); coding-DNA position 2497, A replaced by G.
Protein change: p.Lys833Glu; replaces lysine 833 with glutamic acid.
Molecular consequence: missense variant.
Genome position (GRCh38, 1-based): chr3:47,635,339, T>C on the plus strand (A>G on the coding strand, the complement: SMARCC1 is on the minus strand). VCF-style: chr3-47635339-T-C. GRCh37 (hg19) VCF-style: chr3-47676829-T-C.
Other names: short protein forms K833E.
Identifiers: ClinVar variation 3900198 (VCV003900198.1).
Genomic context (GRCh38, chr3:47,635,339, plus strand): 5'-CAGTATCACTTTCTCTTTCTTTACATGTATCAGTGAGTTCTTTGTTCTCTTCAGTCTCCT[T>C]TTCTTCTGAAAATATCAGAAAGCTTTGTTACTAGCGTGCCCACTCTCGAAAACCCATCTT-3'
Protein context (NP_003065.3, residues 823-843): EVSEDTKSEE[Lys833Glu]ETEENKELTD

ClinVar aggregate classification (germline): Uncertain significance (1 of 4 stars; one submission).

gnomAD v4.1: 1 of 1,611,476 alleles (0.000062%); highest among the groups gnomAD compares: Middle Eastern, 0.019%; no homozygotes.

Submission:

GeneDx
Classification: Uncertain significance. Last evaluated: 2024-11-26. Review status: criteria provided, single submitter. Criteria: GeneDx Variant Classification Process June 2021. Collection method: clinical testing. Allele origin: germline. Affected: yes.
Comment: Not observed at significant frequency in large population cohorts (gnomAD); In silico analysis indicates that this missense variant does not alter protein structure/function; Has not been previously published as pathogenic or benign to our knowledge